The following is an entry in ClinVar:

NM_000051.4(ATM):c.7929A>G (p.Lys2643=)

Genes: ATM (ATM serine/threonine kinase; plus strand), C11orf65 (chromosome 11 open reading frame 65; minus strand). Cytogenetic location: 11q22.3.
Variant type: single nucleotide variant.
Coding change: c.7929A>G on transcript NM_000051.4 (MANE Select); coding-DNA position 7929, A replaced by G.
Protein change: p.Lys2643=; no amino-acid change (lysine 2643 retained).
Molecular consequence: synonymous variant. On other transcripts: intron variant (2).
Genome position (GRCh38, 1-based): chr11:108,333,887, A>G. VCF-style: chr11-108333887-A-G. GRCh37 (hg19) VCF-style: chr11-108204614-A-G.
Other names: c.7929A>G, p.Lys2643= (NM_001351834.2); c.641-24816T>C (NM_001330368.2); c.*38+1333T>C (NM_001351110.2).
Identifiers: ClinVar variation 3253882 (VCV003253882.1), dbSNP rs780247224.

ClinVar aggregate classification (germline): Benign (1 of 4 stars; one submission).

Conditions:
Familial cancer of breast. Also called: hereditary breast carcinoma; BREAST CANCER, FAMILIAL; Hereditary breast cancer. Identifiers: Orphanet 227535, MedGen C0346153, MONDO:0016419, OMIM 114480. Disease mechanism: loss of function.

Submission:

Myriad Genetics, Inc.
Classification: Benign for Familial cancer of breast. Last evaluated: 2024-06-17. Review status: criteria provided, single submitter. Criteria: Myriad Autosomal Dominant, Autosomal Recessive and X-Linked Classification Criteria (2023). Collection method: clinical testing. Allele origin: unknown.
Comment: This variant is considered benign. This variant is a silent/synonymous amino acid change and it is not expected to impact splicing.